The following is an entry in ClinVar:

NM_020928.2(ZSWIM6):c.2446GTT[1] (p.Val817del)

Gene: ZSWIM6 (zinc finger SWIM-type containing 6; plus strand). Cytogenetic location: 5q12.1.
Variant type: Microsatellite.
Coding change: c.2446GTT[1] on transcript NM_020928.2 (MANE Select); one copy of the 3-base unit GTT starting at c.2446; the reference has two copies in a row; one copy, 3 bases deleted.
Protein change: p.Val817del; deletes valine 817.
Genome position (GRCh38, 1-based): chr5:61,538,881-61,538,883, GTT deleted; deleting any 3 consecutive bases within chr5:61,538,878-61,538,883 gives the same sequence; the position shown is the placement nearest the transcript's 3' end. VCF-style (leftmost placement, unchanged base first): chr5-61538877-AGTT-A. GRCh37 (hg19) VCF-style: chr5-60834704-AGTT-A.
Other names: short protein forms V817del.
Identifiers: ClinVar variation 3777629 (VCV003777629.1).

ClinVar aggregate classification (germline): Uncertain significance (1 of 4 stars; one submission).

Submission:

GeneDx
Classification: Uncertain significance. Last evaluated: 2024-10-09. Review status: criteria provided, single submitter. Criteria: GeneDx Variant Classification Process June 2021. Collection method: clinical testing. Allele origin: germline. Affected: yes.
Comment: Not observed at significant frequency in large population cohorts (gnomAD); In-frame deletion of 1 amino acid in a non-repeat region; In silico analysis supports a deleterious effect on protein structure/function; Has not been previously published as pathogenic or benign to our knowledge